The following is an entry in ClinVar:

NM_001330078.2(NRXN1):c.2144-4C>A

Gene: NRXN1 (neurexin 1; minus strand). Cytogenetic location: 2p16.3.
Variant type: single nucleotide variant.
Coding change: c.2144-4C>A on transcript NM_001330078.2 (MANE Select); 4 bases into the intron before coding-DNA position 2144, C replaced by A.
Molecular consequence: intron variant.
Genome position (GRCh38, 1-based): chr2:50,531,434, G>T on the plus strand (C>A on the coding strand, the complement: NRXN1 is on the minus strand). VCF-style: chr2-50531434-G-T. GRCh37 (hg19) VCF-style: chr2-50758572-G-T.
Other names: c.2060-4C>A (NM_001330096.2, NM_001330087.2); c.2105-4C>A (NM_001330083.2, NM_001330084.2); c.2090-4C>A (NM_001330088.2); c.2141-4C>A (NM_001330093.2); c.2132-4C>A (NM_001330094.2); c.2120-4C>A (NM_001330095.2, NM_001330082.2, NM_001330077.2); c.2144-4C>A (NM_001330085.2, NM_004801.6, NM_001330086.2); c.2264-4C>A (NM_001135659.3).
Identifiers: ClinVar variation 514762 (VCV000514762.1), dbSNP rs1340313788, ClinGen allele CA658795794.

ClinVar aggregate classification (germline): Likely benign (1 of 4 stars; one submission).

gnomAD v4.1: 1 of 1,606,496 alleles (0.000062%); highest among the groups gnomAD compares: African/African-American, 0.0013%; no homozygotes.

Submission:

GeneDx
Classification: Likely benign. Last evaluated: 2018-01-18. Review status: criteria provided, single submitter. Criteria: GeneDx Variant Classification (06012015). Collection method: clinical testing. Allele origin: germline. Affected: yes.
Comment: This variant is considered likely benign or benign based on one or more of the following criteria: it is a conservative change, it occurs at a poorly conserved position in the protein, it is predicted to be benign by multiple in silico algorithms, and/or has population frequency not consistent with disease.